The following is an entry in ClinVar:

NM_006440.5(TXNRD2):c.715G>A (p.Gly239Arg)

Gene: TXNRD2 (thioredoxin reductase 2; minus strand). Cytogenetic location: 22q11.21.
Variant type: single nucleotide variant.
Coding change: c.715G>A on transcript NM_006440.5 (MANE Select); coding-DNA position 715, G replaced by A.
Protein change: p.Gly239Arg; replaces glycine 239 with arginine.
Molecular consequence: missense variant. On other transcripts: non-coding transcript variant (1).
Genome position (GRCh38, 1-based): chr22:19,898,098, C>T on the plus strand (G>A on the coding strand, the complement: TXNRD2 is on the minus strand). VCF-style: chr22-19898098-C-T. GRCh37 (hg19) VCF-style: chr22-19885621-C-T.
Other names: c.715G>A, p.Gly239Arg (NM_001282512.3); c.712G>A, p.Gly238Arg (NM_001352300.2); c.625G>A, p.Gly209Arg (NM_001352301.2); c.427G>A, p.Gly143Arg (NM_001352302.2); c.619G>A, p.Gly207Arg (NM_001352303.2); short protein forms G239R, G209R, G207R, G143R, G238R.
Identifiers: ClinVar variation 450426 (VCV000450426.9), dbSNP rs978493213, ClinGen allele CA322099873.

ClinVar aggregate classification (germline): Uncertain significance. Review status: criteria provided, multiple submitters, no conflicts (2 of 4 stars). 3 submissions from 3 submitters: Uncertain significance (3). Last evaluated 2025-12-20.

Conditions:
Cardiovascular phenotype. Identifiers: MedGen CN230736.
Primary dilated cardiomyopathy (DCM). Also called: Dilated Cardiomyopathy. Identifiers: Orphanet 217604, MedGen C0007193, MeSH D002311, MONDO:0005021, HP:0001644. Inheritance: Various modes of inheritance.

Allele frequency attached by ClinVar (database versions not stated): gnomAD 0.00001; gnomAD exomes 0.00001; TOPMed 0.00002.
gnomAD v4.1: 26 of 1,567,164 alleles (0.0017%); highest among the groups gnomAD compares: Non-Finnish European, 0.0022%; no homozygotes.

Submissions (3):

Labcorp Genetics (formerly Invitae), Labcorp
Classification: Uncertain significance for Primary dilated cardiomyopathy. Last evaluated: 2025-12-20. Review status: criteria provided, single submitter. Criteria: Invitae Variant Classification Sherloc (09022015). Collection method: clinical testing. Allele origin: germline.
Comment: This sequence change replaces glycine, which is neutral and non-polar, with arginine, which is basic and polar, at codon 239 of the TXNRD2 protein (p.Gly239Arg). The frequency data for this variant in the population databases is considered unreliable, as metrics indicate poor data quality at this position in the gnomAD database. This variant has not been reported in the literature in individuals affected with TXNRD2-related conditions. ClinVar contains an entry for this variant (Variation ID: 450426). Invitae Evidence Modeling of protein sequence and biophysical properties (such as structural, functional, and spatial information, amino acid conservation, physicochemical variation, residue mobility, and thermodynamic stability) indicates that this missense variant is not expected to disrupt TXNRD2 protein function with a negative predictive value of 80%. In summary, the available evidence is currently insufficient to determine the role of this variant in disease. Therefore, it has been classified as a Variant of Uncertain Significance.

Ambry Genetics
Classification: Uncertain significance for Cardiovascular phenotype. Last evaluated: 2025-10-30. Review status: criteria provided, single submitter. Criteria: Ambry Variant Classification Scheme 2023. Collection method: clinical testing. Allele origin: germline.

GeneDx
Classification: Uncertain significance. Last evaluated: 2017-07-12. Review status: criteria provided, single submitter. Criteria: GeneDx Variant Classification (06012015). Collection method: clinical testing. Allele origin: germline. Affected: yes.
Comment: A variant of uncertain significance has been identified in the TXNRD2 gene. The G239R variant has not been published as pathogenic or been reported as benign to our knowledge. This variant is also not observed in large population cohorts (Lek et al., 2016; 1000 Genomes Consortium et al., 2015; Exome Variant Server). The G239R variant is a non-conservative amino acid substitution, which is likely to impact secondary protein structure as these residues differ in polarity, charge, size and/or other properties. This substitution occurs at a position that is conserved across species and in silico analysis predicts this variant is probably damaging to the protein structure/function. Nevertheless, this variant has not been observed in a significant number of affected individuals, and it lacks both segregation and functional studies which would further clarify its pathogenicity.